The following is an entry in ClinVar:

NM_000081.4(LYST):c.10927T>C (p.Trp3643Arg)

Gene: LYST (lysosomal trafficking regulator; minus strand). Cytogenetic location: 1q42.3.
Variant type: single nucleotide variant.
Coding change: c.10927T>C on transcript NM_000081.4 (MANE Select); coding-DNA position 10927, T replaced by C.
Protein change: p.Trp3643Arg; replaces tryptophan 3643 with arginine.
Molecular consequence: missense variant.
Genome position (GRCh38, 1-based): chr1:235,677,493, A>G on the plus strand (T>C on the coding strand, the complement: LYST is on the minus strand). VCF-style: chr1-235677493-A-G. GRCh37 (hg19) VCF-style: chr1-235840793-A-G.
Other names: c.10927T>C, p.Trp3643Arg (NM_001301365.1); short protein forms W3643R.
Identifiers: ClinVar variation 2000178 (VCV002000178.4), dbSNP rs2527159182, ClinGen allele CA344921650.

ClinVar aggregate classification (germline): Uncertain significance (1 of 4 stars; one submission).

Conditions:
Chédiak-Higashi syndrome (CHS). Also called: Chediak-Higashi Syndrome. Identifiers: Orphanet 167, MedGen C0007965, MONDO:0008963, OMIM 214500.

Submission:

Labcorp Genetics (formerly Invitae), Labcorp
Classification: Uncertain significance for Chédiak-Higashi syndrome. Last evaluated: 2022-05-28. Review status: criteria provided, single submitter. Criteria: Invitae Variant Classification Sherloc (09022015). Collection method: clinical testing. Allele origin: germline.
Comment: Algorithms developed to predict the effect of missense changes on protein structure and function are either unavailable or do not agree on the potential impact of this missense change (SIFT: "Deleterious"; PolyPhen-2: "Possibly Damaging"; Align-GVGD: "Class C0"). In summary, the available evidence is currently insufficient to determine the role of this variant in disease. Therefore, it has been classified as a Variant of Uncertain Significance. This variant has not been reported in the literature in individuals affected with LYST-related conditions. This variant is not present in population databases (gnomAD no frequency). This sequence change replaces tryptophan, which is neutral and slightly polar, with arginine, which is basic and polar, at codon 3643 of the LYST protein (p.Trp3643Arg).